The following is an entry in ClinVar:

NM_006949.4(STXBP2):c.663+19del

Gene: STXBP2 (syntaxin binding protein 2; plus strand). Cytogenetic location: 19p13.2.
Variant type: Deletion.
Coding change: c.663+19del on transcript NM_006949.4 (MANE Select); 19 bases into the intron after coding-DNA position 663, one base deleted (G; older notation c.663+19delG).
Molecular consequence: intron variant.
Genome position (GRCh38, 1-based): chr19:7,642,137, G deleted; the last of 3 consecutive G bases (chr19:7,642,135-7,642,137); deleting any one gives the same sequence. VCF-style (leftmost placement, unchanged base first): chr19-7642134-TG-T. GRCh37 (hg19) VCF-style: chr19-7707020-TG-T.
Other names: c.663+19delG (NM_006949.3); c.696+19del (NM_001272034.2); c.654+19del (NM_001127396.3).
Identifiers: ClinVar variation 1166154 (VCV001166154.11), dbSNP rs111268794, ClinGen allele CA9143751.

ClinVar aggregate classification (germline): Benign. Review status: criteria provided, single submitter (1 of 4 stars). 2 submissions from 2 submitters: Benign (1). 1 of the submissions does not count toward it. Last evaluated 2026-01-25.

Conditions:
Familial hemophagocytic lymphohistiocytosis 5. Also called: STXBP2-Related Familial Hemophagocytic Lymphohistiocytosis (STXBP2-fHLH). Identifiers: Orphanet 540, MedGen C2751293, MONDO:0013135, OMIM 613101.
STXBP2-related disorder. Also called: STXBP2-related condition.

Submissions (2):

Labcorp Genetics (formerly Invitae), Labcorp
Classification: Benign for Familial hemophagocytic lymphohistiocytosis 5. Last evaluated: 2026-01-25. Review status: criteria provided, single submitter. Criteria: Invitae Variant Classification Sherloc (09022015). Collection method: clinical testing. Allele origin: germline.

PreventionGenetics, part of Exact Sciences
Classification: Benign for STXBP2-related condition. Last evaluated: 2021-12-28. Review status: no assertion criteria provided. Collection method: clinical testing. Allele origin: germline. Not counted in ClinVar's aggregate classification.
Comment: This variant is classified as benign based on ACMG/AMP sequence variant interpretation guidelines (Richards et al. 2015 PMID: 25741868, with internal and published modifications).